The following is an entry in ClinVar:

ClinVar aggregate classification (germline): Uncertain significance. Review status: criteria provided, multiple submitters, no conflicts (2 of 4 stars). 2 submissions from 2 submitters: Uncertain significance (2). Last evaluated 2025-10-30.

Conditions:
WDPCP-related disorder. Also called: WDPCP-related condition.
Bardet-Biedl syndrome (BBS). Identifiers: Orphanet 110, MedGen C0752166, MONDO:0015229.

gnomAD v4.1: 2 of 1,613,570 alleles (0.00012%); highest among the groups gnomAD compares: African/African-American, 0.0013%; no homozygotes.

Submissions (2):

PreventionGenetics, part of Exact Sciences
Classification: Uncertain significance for WDPCP-related condition. Last evaluated: 2025-10-30. Review status: criteria provided, single submitter. Criteria: ACMG Guidelines, 2015. Collection method: clinical testing. Allele origin: germline.
Comment: The WDPCP c.1519A>T variant is predicted to result in the amino acid substitution p.Ile507Phe. To our knowledge, this variant has not been reported in the literature. This variant is reported in 0.00089% of alleles in individuals of European (Non-Finnish) descent in gnomAD. At this time, the clinical significance of this variant is uncertain due to the absence of conclusive functional and genetic evidence.

Labcorp Genetics (formerly Invitae), Labcorp
Classification: Uncertain significance for Bardet-Biedl syndrome. Last evaluated: 2021-07-09. Review status: criteria provided, single submitter. Criteria: Invitae Variant Classification Sherloc (09022015). Collection method: clinical testing. Allele origin: germline.
Comment: This sequence change replaces isoleucine with phenylalanine at codon 507 of the WDPCP protein (p.Ile507Phe). The isoleucine residue is moderately conserved and there is a small physicochemical difference between isoleucine and phenylalanine. This variant is not present in population databases (ExAC no frequency). This variant has not been reported in the literature in individuals with WDPCP-related conditions. Algorithms developed to predict the effect of missense changes on protein structure and function are either unavailable or do not agree on the potential impact of this missense change (SIFT: "Deleterious"; PolyPhen-2: "Possibly Damaging"; Align-GVGD: "Class C0"). In summary, the available evidence is currently insufficient to determine the role of this variant in disease. Therefore, it has been classified as a Variant of Uncertain Significance.

NM_015910.7(WDPCP):c.1519A>T (p.Ile507Phe)

Gene: WDPCP (WD repeat containing planar cell polarity effector; minus strand). Cytogenetic location: 2p15.
Variant type: single nucleotide variant.
Coding change: c.1519A>T on transcript NM_015910.7 (MANE Select); coding-DNA position 1519, A replaced by T.
Protein change: p.Ile507Phe; replaces isoleucine 507 with phenylalanine.
Molecular consequence: missense variant. On other transcripts: non-coding transcript variant (3).
Genome position (GRCh38, 1-based): chr2:63,382,011, T>A on the plus strand (A>T on the coding strand, the complement: WDPCP is on the minus strand). VCF-style: chr2-63382011-T-A. GRCh37 (hg19) VCF-style: chr2-63609146-T-A.
Other names: c.1042A>T, p.Ile348Phe (NM_001042692.3); c.1447A>T, p.Ile483Phe (NM_001354044.2); c.1519A>T, p.Ile507Phe (NM_001354045.2); c.1519A>T (NM_015910.5); short protein forms I483F, I507F, I348F.
Identifiers: ClinVar variation 1468226 (VCV001468226.9), dbSNP rs754985173, ClinGen allele CA347063401.